The following is an entry in ClinVar:

ClinVar aggregate classification (germline): Uncertain significance (1 of 4 stars; one submission).

Conditions:
Brugada syndrome. Also called: Sudden Unexplained Death Syndrome; Sudden Unexplained Nocturnal Death Syndrome (SUNDS); Sudden unexplained nocturnal death syndrome; Sudden unexpected nocturnal death syndrome. Identifiers: Orphanet 130, MedGen C1142166, MONDO:0015263.

Allele frequency attached by ClinVar (database versions not stated): TOPMed below 0.00001; gnomAD 0.00001; gnomAD exomes 0.00001.
gnomAD v4.1: 8 of 1,612,792 alleles (0.0005%); highest among the groups gnomAD compares: Non-Finnish European, 0.00068%; no homozygotes.

Submission:

Labcorp Genetics (formerly Invitae), Labcorp
Classification: Uncertain significance for Brugada syndrome. Last evaluated: 2021-09-01. Review status: criteria provided, single submitter. Criteria: Invitae Variant Classification Sherloc (09022015). Collection method: clinical testing. Allele origin: germline.
Comment: This sequence change replaces glutamine with arginine at codon 297 of the GPD1L protein (p.Gln297Arg). The glutamine residue is highly conserved and there is a small physicochemical difference between glutamine and arginine. This variant is not present in population databases (ExAC no frequency). This variant has not been reported in the literature in individuals affected with GPD1L-related conditions. Algorithms developed to predict the effect of missense changes on protein structure and function are either unavailable or do not agree on the potential impact of this missense change (SIFT: "Tolerated"; PolyPhen-2: "Probably Damaging"; Align-GVGD: "Class C0"). In summary, the available evidence is currently insufficient to determine the role of this variant in disease. Therefore, it has been classified as a Variant of Uncertain Significance.

NM_015141.4(GPD1L):c.890A>G (p.Gln297Arg)

Gene: GPD1L (glycerol-3-phosphate dehydrogenase 1 like; plus strand). Cytogenetic location: 3p22.3.
Variant type: single nucleotide variant.
Coding change: c.890A>G on transcript NM_015141.4 (MANE Select); coding-DNA position 890, A replaced by G.
Protein change: p.Gln297Arg; replaces glutamine 297 with arginine.
Molecular consequence: missense variant.
Genome position (GRCh38, 1-based): chr3:32,159,605, A>G. VCF-style: chr3-32159605-A-G. GRCh37 (hg19) VCF-style: chr3-32201097-A-G.
Other names: short protein forms Q297R.
Identifiers: ClinVar variation 1057630 (VCV001057630.2), dbSNP rs1358056076, ClinGen allele CA351969792.
Genomic context (GRCh38, chr3:32,159,605, plus strand): 5'-ATATATAATCCTTTGTTTTTAAGACCATTGAAGAGTTGGAGAAGGAGATGCTGAATGGGC[A>G]AAAGCTCCAAGGACCGCAGACTTCTGCTGAAGTGTACCGCATCCTCAAACAGAAGGGACT-3'
Protein context (NP_055956.1, residues 287-307): EELEKEMLNG[Gln297Arg]KLQGPQTSAE